The following is an entry in ClinVar:

ClinVar aggregate classification (germline): Uncertain significance (1 of 4 stars; one submission).

Allele frequency attached by ClinVar (database versions not stated): gnomAD 0.00001 and 0.00002; gnomAD exomes 0.00001; ExAC 0.00002; TOPMed 0.00002; ESP Exome Variant Server 0.00023.
gnomAD v4.1: 5 of 1,613,434 alleles (0.00031%); highest among the groups gnomAD compares: African/African-American, 0.0013%; no homozygotes.

Submission:

Labcorp Genetics (formerly Invitae), Labcorp
Classification: Uncertain significance. Last evaluated: 2022-07-18. Review status: criteria provided, single submitter. Criteria: Invitae Variant Classification Sherloc (09022015). Collection method: clinical testing. Allele origin: germline.
Comment: This sequence change replaces arginine, which is basic and polar, with threonine, which is neutral and polar, at codon 1021 of the NBAS protein (p.Arg1021Thr). This variant is present in population databases (rs368867388, gnomAD 0.004%). This variant has not been reported in the literature in individuals affected with NBAS-related conditions. ClinVar contains an entry for this variant (Variation ID: 1041041). Algorithms developed to predict the effect of missense changes on protein structure and function (SIFT, PolyPhen-2, Align-GVGD) all suggest that this variant is likely to be disruptive. In summary, the available evidence is currently insufficient to determine the role of this variant in disease. Therefore, it has been classified as a Variant of Uncertain Significance.

NM_015909.4(NBAS):c.3062G>C (p.Arg1021Thr)

Gene: NBAS (NBAS subunit of NRZ tethering complex; minus strand). Cytogenetic location: 2p24.3.
Variant type: single nucleotide variant.
Coding change: c.3062G>C on transcript NM_015909.4 (MANE Select); coding-DNA position 3062, G replaced by C.
Protein change: p.Arg1021Thr; replaces arginine 1021 with threonine.
Molecular consequence: missense variant. On other transcripts: non-coding transcript variant (1).
Genome position (GRCh38, 1-based): chr2:15,402,177, C>G on the plus strand (G>C on the coding strand, the complement: NBAS is on the minus strand). VCF-style: chr2-15402177-C-G. GRCh37 (hg19) VCF-style: chr2-15542301-C-G.
Other names: short protein forms R1021T.
Identifiers: ClinVar variation 1041041 (VCV001041041.5), dbSNP rs368867388, ClinGen allele CA1536183.